The following is an entry in ClinVar:

ClinVar aggregate classification (germline): Uncertain significance (1 of 4 stars; one submission).

Conditions:
Multiple endocrine neoplasia, type 1 (MEN1). Also called: Endocrine adenomatosis multiple; MEN 1; MEN I; WERMER SYNDROME; MEA I. Identifiers: Orphanet 652, MedGen C0025267, MeSH D018761, MONDO:0007540, OMIM 131100.

Allele frequency attached by ClinVar (database versions not stated): TOPMed below 0.00001.

Submission:

Labcorp Genetics (formerly Invitae), Labcorp
Classification: Uncertain significance for Multiple endocrine neoplasia, type 1. Last evaluated: 2018-10-16. Review status: criteria provided, single submitter. Criteria: Invitae Variant Classification Sherloc (09022015). Collection method: clinical testing. Allele origin: germline.
Comment: In summary, the available evidence is currently insufficient to determine the role of this variant in disease. Therefore, it has been classified as a Variant of Uncertain Significance. Algorithms developed to predict the effect of missense changes on protein structure and function (SIFT, PolyPhen-2, Align-GVGD) all suggest that this variant is likely to be tolerated, but these predictions have not been confirmed by published functional studies and their clinical significance is uncertain. This variant has not been reported in the literature in individuals with MEN1-related disease. This variant is not present in population databases (ExAC no frequency). This sequence change replaces phenylalanine with leucine at codon 365 of the MEN1 protein (p.Phe365Leu). The phenylalanine residue is highly conserved and there is a small physicochemical difference between phenylalanine and leucine.

NM_001370259.2(MEN1):c.1093T>C (p.Phe365Leu)

Gene: MEN1 (menin 1; minus strand). Cytogenetic location: 11q13.1.
Variant type: single nucleotide variant.
Coding change: c.1093T>C on transcript NM_001370259.2 (MANE Select); coding-DNA position 1093, T replaced by C.
Protein change: p.Phe365Leu; replaces phenylalanine 365 with leucine.
Molecular consequence: missense variant.
Genome position (GRCh38, 1-based): chr11:64,805,727, A>G on the plus strand (T>C on the coding strand, the complement: MEN1 is on the minus strand). VCF-style: chr11-64805727-A-G. GRCh37 (hg19) VCF-style: chr11-64573199-A-G.
Other names: c.1108T>C, p.Phe370Leu (NM_000244.4, NM_130800.3, NM_130801.3 and 3 more transcripts); c.1219T>C, p.Phe407Leu (NM_001370251.2); c.1093T>C, p.Phe365Leu (NM_001370260.2, NM_001370261.2, NM_130799.3); c.988T>C, p.Phe330Leu (NM_001370262.2, NM_001370263.2); short protein forms F330L, F365L, F370L, F407L.
Identifiers: ClinVar variation 656805 (VCV000656805.8), dbSNP rs1592640479, ClinGen allele CA381182684.
Genomic context (GRCh38, chr11:64,805,727, plus strand): 5'-CCTCCAGCAAGCTGGCTGCCTCCTTCAGCAGGTTGGGGATGACATCATTGGCTACTTCAA[A>G]GAACTCCTTGTAGATCTCCTCGTCTTCCCGGCAGTAGTTGTAGCTGTGAGAGCAGTGGGG-3'
Protein context (NP_001357188.2, residues 355-375): REDEEIYKEF[Phe365Leu]EVANDVIPNL